The following is an entry in ClinVar:

ClinVar aggregate classification (germline): Uncertain significance (1 of 4 stars; one submission).

Conditions:
Osteogenesis imperfecta type I (OI1). Also called: Osteogenesis imperfecta type 1; Classic Non-deforming Osteogenesis Imperfecta with Blue Sclerae; Lobstein disease; OI, TYPE I; OSTEOGENESIS IMPERFECTA TARDA; OSTEOGENESIS IMPERFECTA WITH BLUE SCLERAE. Identifiers: Orphanet 216796, Orphanet 666, MedGen C0023931, MONDO:0008146, OMIM 166200. Disease mechanism: loss of function.

Submission:

Labcorp Genetics (formerly Invitae), Labcorp
Classification: Uncertain significance for Osteogenesis imperfecta type I. Last evaluated: 2023-10-24. Review status: criteria provided, single submitter. Criteria: Invitae Variant Classification Sherloc (09022015). Collection method: clinical testing. Allele origin: germline.
Comment: This sequence change replaces proline, which is neutral and non-polar, with alanine, which is neutral and non-polar, at codon 409 of the COL1A1 protein (p.Pro409Ala). This variant is not present in population databases (gnomAD no frequency). This variant has not been reported in the literature in individuals affected with COL1A1-related conditions. ClinVar contains an entry for this variant (Variation ID: 2008225). Advanced modeling of protein sequence and biophysical properties (such as structural, functional, and spatial information, amino acid conservation, physicochemical variation, residue mobility, and thermodynamic stability) performed at Invitae indicates that this missense variant is expected to disrupt COL1A1 protein function with a positive predictive value of 95%. In summary, the available evidence is currently insufficient to determine the role of this variant in disease. Therefore, it has been classified as a Variant of Uncertain Significance.

NM_000088.4(COL1A1):c.1225C>G (p.Pro409Ala)

Gene: COL1A1 (collagen type I alpha 1 chain; minus strand). Cytogenetic location: 17q21.33.
Variant type: single nucleotide variant.
Coding change: c.1225C>G on transcript NM_000088.4 (MANE Select); coding-DNA position 1225, C replaced by G.
Protein change: p.Pro409Ala; replaces proline 409 with alanine.
Molecular consequence: missense variant.
Genome position (GRCh38, 1-based): chr17:50,195,306, G>C on the plus strand (C>G on the coding strand, the complement: COL1A1 is on the minus strand). VCF-style: chr17-50195306-G-C. GRCh37 (hg19) VCF-style: chr17-48272667-G-C.
Other names: short protein forms P409A.
Identifiers: ClinVar variation 2008225 (VCV002008225.4), dbSNP rs2509226241, ClinGen allele CA400218887.